The following is an entry in ClinVar:

ClinVar aggregate classification (germline): Benign/Likely benign. Review status: criteria provided, multiple submitters, no conflicts (2 of 4 stars). 4 submissions from 4 submitters: Benign (2); Likely benign (1). 1 of the submissions does not count toward it. Last evaluated 2026-01-27.

Conditions:
KATNIP-related disorder. Also called: KATNIP-related condition.

Allele frequency attached by ClinVar (database versions not stated): gnomAD 0.00544 and 0.00582; TOPMed 0.00585; ESP Exome Variant Server 0.00639; 1000 Genomes Project 0.00759; 1000 Genomes Project 30x 0.00796.
gnomAD v4.1: 1,624 of 1,600,244 alleles (0.1%); highest among the groups gnomAD compares: African/African-American, 2%; 25 homozygotes.

Submissions (12):

Labcorp Genetics (formerly Invitae), Labcorp
Classification: Benign. Last evaluated: 2026-01-27. Review status: criteria provided, single submitter. Criteria: Invitae Variant Classification Sherloc (09022015). Collection method: clinical testing. Allele origin: germline.

Mayo Clinic Laboratories, Mayo Clinic
Classification: Likely benign. Last evaluated: 2025-06-20. Review status: criteria provided, single submitter. Criteria: ACMG Guidelines, 2015. Collection method: clinical testing. Allele origin: germline. Observed: 2 variant alleles.
Comment: BS1, BP4, BP7

Breakthrough Genomics
Classification: Benign. Review status: criteria provided, single submitter. Criteria: ACMG Guidelines, 2015. Collection method: not provided. Allele origin: germline. Inheritance: Autosomal recessive inheritance. Affected: yes.

PreventionGenetics, part of Exact Sciences
Classification: Benign for KATNIP-related condition. Last evaluated: 2019-05-22. Review status: no assertion criteria provided. Collection method: clinical testing. Allele origin: germline. Not counted in ClinVar's aggregate classification.
Comment: This variant is classified as benign based on ACMG/AMP sequence variant interpretation guidelines (Richards et al. 2015 PMID: 25741868, with internal and published modifications).

Dr. Peter K. Rogan Lab, Western University
No classification provided (evidence only). Condition: Familial cancer of breast. Review status: no classification provided. Collection method: in vitro. Allele origin: not applicable. Functional consequence: retained intron. Not counted in ClinVar's aggregate classification.

Dr. Peter K. Rogan Lab, Western University
No classification provided (evidence only). Condition: Colon adenocarcinoma. Review status: no classification provided. Collection method: in vitro. Allele origin: not applicable. Functional consequence: retained intron. Not counted in ClinVar's aggregate classification.

Dr. Peter K. Rogan Lab, Western University
No classification provided (evidence only). Condition: Uterine corpus endometrial carcinoma. Review status: no classification provided. Collection method: in vitro. Allele origin: not applicable. Functional consequence: retained intron. Not counted in ClinVar's aggregate classification.

Dr. Peter K. Rogan Lab, Western University
No classification provided (evidence only). Condition: Uterine corpus endometrial carcinoma. Review status: no classification provided. Collection method: in vitro. Allele origin: not applicable. Functional consequence: retained intron. Not counted in ClinVar's aggregate classification.

Dr. Peter K. Rogan Lab, Western University
No classification provided (evidence only). Condition: Cervical cancer. Review status: no classification provided. Collection method: in vitro. Allele origin: not applicable. Functional consequence: retained intron. Not counted in ClinVar's aggregate classification.

Dr. Peter K. Rogan Lab, Western University
No classification provided (evidence only). Condition: Cervical cancer. Review status: no classification provided. Collection method: in vitro. Allele origin: not applicable. Functional consequence: retained intron. Not counted in ClinVar's aggregate classification.

Dr. Peter K. Rogan Lab, Western University
No classification provided (evidence only). Condition: Sarcoma. Review status: no classification provided. Collection method: in vitro. Allele origin: not applicable. Functional consequence: retained intron. Not counted in ClinVar's aggregate classification.

Dr. Peter K. Rogan Lab, Western University
No classification provided (evidence only). Condition: Ovarian serous cystadenocarcinoma. Review status: no classification provided. Collection method: in vitro. Allele origin: not applicable. Functional consequence: retained intron. Not counted in ClinVar's aggregate classification.

NM_015202.5(KATNIP):c.1113+5G>A

Gene: KATNIP (katanin interacting protein; plus strand). Cytogenetic location: 16p12.1.
Variant type: single nucleotide variant.
Coding change: c.1113+5G>A on transcript NM_015202.5 (MANE Select); 5 bases into the intron after coding-DNA position 1113, G replaced by A.
Molecular consequence: intron variant.
Genome position (GRCh38, 1-based): chr16:27,698,505, G>A. VCF-style: chr16-27698505-G-A. GRCh37 (hg19) VCF-style: chr16-27709826-G-A.
Other names: c.1113+5G>A (NM_015202.3, NM_015202.4).
Identifiers: ClinVar variation 787442 (VCV000787442.15), dbSNP rs149033392, ClinGen allele CA7977572.